The following is an entry in ClinVar:

ClinVar aggregate classification (germline): Uncertain significance. Review status: criteria provided, multiple submitters, no conflicts (2 of 4 stars). 2 submissions from 2 submitters: Uncertain significance (2). Last evaluated 2025-04-16.

Conditions:
PKHD1-related disorder. Also called: PKHD1-related condition.
Polycystic kidney disease 4 (PKD4). Also called: POLYCYSTIC KIDNEY DISEASE 4 WITH OR WITHOUT POLYCYSTIC LIVER DISEASE; PKD3; POLYCYSTIC KIDNEY AND HEPATIC DISEASE 1; POLYCYSTIC KIDNEY DISEASE, INFANTILE, TYPE I; Autosomal Recessive Polycystic Kidney Disease – PKHD1. Identifiers: MedGen C4540575, MONDO:0033004, OMIM 263200.

Submissions (2):

PreventionGenetics, part of Exact Sciences
Classification: Uncertain significance for PKHD1-related condition. Last evaluated: 2025-04-16. Review status: criteria provided, single submitter. Criteria: ACMG Guidelines, 2015. Collection method: clinical testing. Allele origin: germline.
Comment: The PKHD1 c.1255_1256delinsTC variant is predicted to result in an in-frame deletion and insertion. To our knowledge, this variant has not been reported in the literature or in a large population database (gnomAD), indicating this variant is rare. At this time, the clinical significance of this variant is uncertain due to the absence of conclusive functional and genetic evidence.

Fulgent Genetics
Classification: Uncertain significance for Polycystic kidney disease 4. Last evaluated: 2024-05-23. Review status: criteria provided, single submitter. Criteria: ACMG Guidelines, 2015. Collection method: clinical testing. Allele origin: germline.

NM_138694.4(PKHD1):c.1255_1256delinsTC (p.Val419Ser)

Gene: PKHD1 (PKHD1 ciliary IPT domain containing fibrocystin/polyductin; minus strand). Cytogenetic location: 6p12.2.
Variant type: Indel.
Coding change: c.1255_1256delinsTC on transcript NM_138694.4 (MANE Select); coding-DNA positions 1255 to 1256, GT replaced by TC.
Protein change: p.Val419Ser; replaces valine 419 with serine.
Molecular consequence: missense variant.
Genome position (GRCh38, 1-based): chr6:52,058,579-52,058,580, AC replaced by GA on the plus strand (GT replaced by TC on the coding strand, the reverse complement: PKHD1 is on the minus strand). VCF-style: chr6-52058579-AC-GA. GRCh37 (hg19) VCF-style: chr6-51923377-AC-GA.
Other names: c.1255_1256delinsTC, p.Val419Ser (NM_170724.3); c.1255_1256delinsTC (NM_138694.3); short protein forms V419S.
Identifiers: ClinVar variation 3594017 (VCV003594017.2).